The following is an entry in ClinVar:

ClinVar aggregate classification (germline): Benign. Review status: criteria provided, single submitter (1 of 4 stars). 2 submissions from 2 submitters: Benign (1). 1 of the submissions does not count toward it. Last evaluated 2025-12-21.

Conditions:
SULT2B1-related disorder. Also called: SULT2B1-related condition.

Allele frequency attached by ClinVar (database versions not stated): gnomAD 0.00038; 1000 Genomes Project 30x 0.00078; gnomAD exomes 0.00024; 1000 Genomes Project 0.00080; ExAC 0.00086; ESP Exome Variant Server 0.00008; TOPMed 0.00051.
gnomAD v4.1: 400 of 1,609,850 alleles (0.025%); highest among the groups gnomAD compares: East Asian, 0.76%; 1 homozygote.

Submissions (2):

Labcorp Genetics (formerly Invitae), Labcorp
Classification: Benign. Last evaluated: 2025-12-21. Review status: criteria provided, single submitter. Criteria: Invitae Variant Classification Sherloc (09022015). Collection method: clinical testing. Allele origin: germline.

PreventionGenetics, part of Exact Sciences
Classification: Benign for SULT2B1-related condition. Last evaluated: 2020-12-16. Review status: no assertion criteria provided. Collection method: clinical testing. Allele origin: germline. Not counted in ClinVar's aggregate classification.
Comment: This variant is classified as benign based on ACMG/AMP sequence variant interpretation guidelines (Richards et al. 2015 PMID: 25741868, with internal and published modifications).

NM_177973.2(SULT2B1):c.718G>A (p.Val240Ile)

Gene: SULT2B1 (sulfotransferase family 2B member 1; plus strand). Cytogenetic location: 19q13.33.
Variant type: single nucleotide variant.
Coding change: c.718G>A on transcript NM_177973.2 (MANE Select); coding-DNA position 718, G replaced by A.
Protein change: p.Val240Ile; replaces valine 240 with isoleucine.
Molecular consequence: missense variant.
Genome position (GRCh38, 1-based): chr19:48,596,811, G>A. VCF-style: chr19-48596811-G-A. GRCh37 (hg19) VCF-style: chr19-49100068-G-A.
Other names: c.718G>A (NM_177973.1); c.673G>A, p.Val225Ile (NM_004605.2); short protein forms V240I, V225I.
Identifiers: ClinVar variation 2883596 (VCV002883596.5), dbSNP rs2302947, ClinGen allele CA9553200.